The following is an entry in ClinVar:

NM_003322.6(TULP1):c.1394C>G (p.Pro465Arg)

Gene: TULP1 (TUB like protein 1; minus strand). Cytogenetic location: 6p21.31.
Variant type: single nucleotide variant.
Coding change: c.1394C>G on transcript NM_003322.6 (MANE Select); coding-DNA position 1394, C replaced by G.
Protein change: p.Pro465Arg; replaces proline 465 with arginine.
Molecular consequence: missense variant.
Genome position (GRCh38, 1-based): chr6:35,500,082, G>C on the plus strand (C>G on the coding strand, the complement: TULP1 is on the minus strand). VCF-style: chr6-35500082-G-C. GRCh37 (hg19) VCF-style: chr6-35467859-G-C.
Other names: c.1235C>G, p.Pro412Arg (NM_001289395.2); short protein forms P412R, P465R.
Identifiers: ClinVar variation 3248700 (VCV003248700.2).

ClinVar aggregate classification (germline): Conflicting classifications of pathogenicity. Review status: criteria provided, conflicting classifications (1 of 4 stars). 2 submissions from 2 submitters: Likely pathogenic (1); Uncertain significance (1). Last evaluated 2025-12-17.

Conditions:
Retinitis pigmentosa 14 (RP14). Also called: RETINITIS PIGMENTOSA, JUVENILE, TULP1-RELATED. Identifiers: Orphanet 791, MedGen C1838603, MONDO:0010827, OMIM 600132.
Retinal dystrophy. Also called: Inherited retinal dystrophy. Identifiers: Orphanet 71862, MedGen C0854723, MeSH D058499, MONDO:0019118, HP:0000556.

gnomAD v4.1: 4 of 1,614,186 alleles (0.00025%); highest among the groups gnomAD compares: Middle Eastern, 0.016%; no homozygotes.

Submissions (2):

Research Institute for Ophthalmology and Vision Science, Shahid Beheshti University of Medical Sciences
Classification: Likely pathogenic for Retinitis pigmentosa 14. Last evaluated: 2025-12-17. Review status: criteria provided, single submitter. Criteria: ACMG Guidelines, 2015. Collection method: research. Allele origin: inherited. Inheritance: Autosomal recessive inheritance. Affected: yes.
Comment: NM_003322.6(TULP1):c.1394C>G has an extremely low frequency in gnomAD databases. It has been observed in a homozygous state in patients and co-segregates with the disease in affected family members. The variant is also located in an exonic hotspot.

Institute of Human Genetics, Univ. Regensburg, Univ. Regensburg
Classification: Uncertain significance for Retinal dystrophy. Last evaluated: 2019-01-01. Review status: criteria provided, single submitter. Criteria: ACMG Guidelines, 2015. Collection method: clinical testing. Allele origin: germline. Affected: yes.

Literature cited by the submitters: PubMed 33749171 (cited by Institute of Human Genetics, Univ. Regensburg, Univ. Regensburg).